The following is an entry in ClinVar:

ClinVar aggregate classification (germline): Uncertain significance (1 of 4 stars; one submission).

Conditions:
Autosomal dominant childhood-onset proximal spinal muscular atrophy with contractures (SMALED2A). Also called: Spinal muscular atrophy, lower extremity-predominant, 2A, autosomal dominant; SPINAL MUSCULAR ATROPHY, LOWER EXTREMITY-PREDOMINANT, 2A, CHILDHOOD ONSET, AUTOSOMAL DOMINANT. Identifiers: Orphanet 363447, Orphanet 363454, MedGen C4747715, MONDO:0014121, OMIM 615290.

gnomAD v4.1: 1 of 1,610,940 alleles (0.000062%); highest among the groups gnomAD compares: African/African-American, 0.0013%; no homozygotes.

Submission:

Labcorp Genetics (formerly Invitae), Labcorp
Classification: Uncertain significance for Autosomal dominant childhood-onset proximal spinal muscular atrophy with contractures. Last evaluated: 2024-10-22. Review status: criteria provided, single submitter. Criteria: Invitae Variant Classification Sherloc (09022015). Collection method: clinical testing. Allele origin: germline.
Comment: This sequence change replaces arginine, which is basic and polar, with histidine, which is basic and polar, at codon 747 of the BICD2 protein (p.Arg747His). The frequency data for this variant in the population databases is considered unreliable, as metrics indicate poor data quality at this position in the gnomAD database. This variant has not been reported in the literature in individuals affected with BICD2-related conditions. Invitae Evidence Modeling of protein sequence and biophysical properties (such as structural, functional, and spatial information, amino acid conservation, physicochemical variation, residue mobility, and thermodynamic stability) indicates that this missense variant is expected to disrupt BICD2 protein function with a positive predictive value of 80%. This variant disrupts the p.Arg747 amino acid residue in BICD2. Other variant(s) that disrupt this residue have been determined to be pathogenic (PMID: 24336790; internal data). This suggests that this residue is clinically significant, and that variants that disrupt this residue are likely to be disease-causing. In summary, the available evidence is currently insufficient to determine the role of this variant in disease. Therefore, it has been classified as a Variant of Uncertain Significance.

Literature cited by the submitters: PubMed 24336790.

NM_001003800.2(BICD2):c.2240G>A (p.Arg747His)

Gene: BICD2 (BICD cargo adaptor 2; minus strand). Cytogenetic location: 9q22.31.
Variant type: single nucleotide variant.
Coding change: c.2240G>A on transcript NM_001003800.2 (MANE Select); coding-DNA position 2240, G replaced by A.
Protein change: p.Arg747His; replaces arginine 747 with histidine.
Molecular consequence: missense variant.
Genome position (GRCh38, 1-based): chr9:92,717,815, C>T on the plus strand (G>A on the coding strand, the complement: BICD2 is on the minus strand). VCF-style: chr9-92717815-C-T. GRCh37 (hg19) VCF-style: chr9-95480097-C-T.
Other names: c.2240G>A, p.Arg747His (NM_015250.4); short protein forms R747H.
Identifiers: ClinVar variation 3710228 (VCV003710228.2).
Genomic context (GRCh38, chr9:92,717,815, plus strand): 5'-CTGGCCTTGTGGAAGGGGAGGGCCCGACAGCAGCACGGTTACCTGGTGGCAAACATAGCA[C>T]GCAGCGAGGAGAAGGTGGCTGCGTCCTCCTTGAGGGCCTTGAGCTCATTGCGCAGCTTCA-3'
Protein context (NP_001003800.1, residues 737-757): KEDAATFSSL[Arg747His]AMFATRCDEY